The following is an entry in ClinVar:

ClinVar aggregate classification (germline): Uncertain significance. Review status: criteria provided, multiple submitters, no conflicts (2 of 4 stars). 2 submissions from 2 submitters: Uncertain significance (2). Last evaluated 2022-01-28.

Conditions:
Holoprosencephaly 11 (HPE11). Identifiers: Orphanet 2162, MedGen C3280215, MONDO:0013642, OMIM 614226.

Allele frequency attached by ClinVar (database versions not stated): gnomAD exomes 0.00001 and 0.00002; ExAC 0.00002; gnomAD 0.00002; TOPMed 0.00002.
gnomAD v4.1: 26 of 1,614,006 alleles (0.0016%); highest among the groups gnomAD compares: Middle Eastern, 0.049%; no homozygotes.

Submissions (2):

Labcorp Genetics (formerly Invitae), Labcorp
Classification: Uncertain significance for Holoprosencephaly 11. Last evaluated: 2022-01-28. Review status: criteria provided, single submitter. Criteria: Invitae Variant Classification Sherloc (09022015). Collection method: clinical testing. Allele origin: germline.
Comment: In summary, the available evidence is currently insufficient to determine the role of this variant in disease. Therefore, it has been classified as a Variant of Uncertain Significance. Advanced modeling of protein sequence and biophysical properties (such as structural, functional, and spatial information, amino acid conservation, physicochemical variation, residue mobility, and thermodynamic stability) performed at Invitae indicates that this missense variant is expected to disrupt CDON protein function. This variant has not been reported in the literature in individuals affected with CDON-related conditions. This variant is present in population databases (rs760225821, gnomAD 0.01%). This sequence change replaces glycine, which is neutral and non-polar, with arginine, which is basic and polar, at codon 419 of the CDON protein (p.Gly419Arg).

Breakthrough Genomics
Classification: Uncertain significance. Review status: criteria provided, single submitter. Criteria: ACMG Guidelines, 2015. Collection method: not provided. Allele origin: germline. Inheritance: Autosomal dominant inheritance. Affected: yes.

NM_001378964.1(CDON):c.1255G>A (p.Gly419Arg)

Gene: CDON (cell adhesion associated, oncogene regulated; minus strand). Cytogenetic location: 11q24.2.
Variant type: single nucleotide variant.
Coding change: c.1255G>A on transcript NM_001378964.1 (MANE Select); coding-DNA position 1255, G replaced by A.
Protein change: p.Gly419Arg; replaces glycine 419 with arginine.
Molecular consequence: missense variant.
Genome position (GRCh38, 1-based): chr11:126,010,638, C>T on the plus strand (G>A on the coding strand, the complement: CDON is on the minus strand). VCF-style: chr11-126010638-C-T. GRCh37 (hg19) VCF-style: chr11-125880533-C-T.
Other names: c.1255G>A, p.Gly419Arg (NM_001243597.3, NM_016952.6); short protein forms G419R.
Identifiers: ClinVar variation 1442393 (VCV001442393.7), dbSNP rs760225821, ClinGen allele CA6352071.